The following is an entry in ClinVar:

ClinVar aggregate classification (germline): Uncertain significance (1 of 4 stars; one submission).

Conditions:
Long QT syndrome (LQTS). Identifiers: MedGen C0023976, MeSH D008133, MONDO:0002442. Disease mechanism: loss of function. Inheritance: Various modes of inheritance.

Submission:

Labcorp Genetics (formerly Invitae), Labcorp
Classification: Uncertain significance for Long QT syndrome. Last evaluated: 2025-08-17. Review status: criteria provided, single submitter. Criteria: Invitae Variant Classification Sherloc (09022015). Collection method: clinical testing. Allele origin: germline.
Comment: This sequence change replaces proline, which is neutral and non-polar, with serine, which is neutral and polar, at codon 10 of the KCNH2 protein (p.Pro10Ser). This variant is not present in population databases (gnomAD no frequency). This variant has not been reported in the literature in individuals affected with KCNH2-related conditions. ClinVar contains an entry for this variant (Variation ID: 3707405). An algorithm developed to predict the effect of missense changes on protein structure and function (PolyPhen-2) suggests that this variant is likely to be disruptive. In summary, the available evidence is currently insufficient to determine the role of this variant in disease. Therefore, it has been classified as a Variant of Uncertain Significance.

NM_000238.4(KCNH2):c.28C>T (p.Pro10Ser)

Gene: KCNH2 (potassium voltage-gated channel subfamily H member 2; minus strand). Cytogenetic location: 7q36.1.
Variant type: single nucleotide variant.
Coding change: c.28C>T on transcript NM_000238.4 (MANE Select); coding-DNA position 28, C replaced by T.
Protein change: p.Pro10Ser; replaces proline 10 with serine.
Molecular consequence: missense variant. On other transcripts: non-coding transcript variant (1).
Genome position (GRCh38, 1-based): chr7:150,977,886, G>A on the plus strand (C>T on the coding strand, the complement: KCNH2 is on the minus strand). VCF-style: chr7-150977886-G-A. GRCh37 (hg19) VCF-style: chr7-150674974-G-A.
Other names: c.28C>T, p.Pro10Ser (NM_172056.3); short protein forms P10S.
Identifiers: ClinVar variation 3707405 (VCV003707405.2).
Genomic context (GRCh38, chr7:150,977,886, plus strand): 5'-TCCCCCACTCACTCTGGCCCTCAAACTTGCGGATGATGGTGTCCAGGAAGGTGTTCTGCG[G>A]CGCGACGTGGCCCCTCCGCACCGGCATCCTGAGCCCATGGGCGGGCCGGGCGGGCCCCCA-3'
Protein context (NP_000229.1, residues 1-20): MPVRRGHVA[Pro10Ser]QNTFLDTIIR